The following is an entry in ClinVar:

ClinVar aggregate classification (germline): Benign/Likely benign. Review status: criteria provided, multiple submitters, no conflicts (2 of 4 stars). 2 submissions from 2 submitters: Benign (1); Likely benign (1). Last evaluated 2026-07-01.

Conditions:
Frontotemporal dementia and/or amyotrophic lateral sclerosis 1 (FTDALS1). Also called: Frontotemporal dementia with motor neuron disease 1; C9orf72 Frontotemporal Dementia and/or Amyotrophic Lateral Sclerosis. Identifiers: Orphanet 275872, MedGen C5779877, MONDO:0007105, OMIM 105550.
Paget disease of bone 2, early-onset (PDB2). Also called: Paget disease of bone 2. Identifiers: MedGen C4085251, MONDO:0011183, OMIM 602080.

Allele frequency attached by ClinVar (database versions not stated): TOPMed 0.00046; 1000 Genomes Project 0.00140; gnomAD exomes 0.00199; gnomAD 0.00278 and 0.00280.

Submissions (2):

CeGaT Center for Human Genetics Tuebingen
Classification: Likely benign. Last evaluated: 2026-07-01. Review status: criteria provided, single submitter. Criteria: CeGaT Center For Human Genetics Tuebingen Variant Classification Criteria Version 2. Collection method: clinical testing. Allele origin: germline. Affected: yes. Observed: 1 variant allele.
Comment: SQSTM1: BS2

Labcorp Genetics (formerly Invitae), Labcorp
Classification: Benign for Paget disease of bone 2, early-onset; Frontotemporal dementia and/or amyotrophic lateral sclerosis 1. Last evaluated: 2025-01-27. Review status: criteria provided, single submitter. Criteria: Invitae Variant Classification Sherloc (09022015). Collection method: clinical testing. Allele origin: germline.

NM_003900.5(SQSTM1):c.755-90dup

Gene: SQSTM1 (sequestosome 1; plus strand). Cytogenetic location: 5q35.3.
Variant type: Duplication.
Coding change: c.755-90dup on transcript NM_003900.5 (MANE Select); 90 bases into the intron before coding-DNA position 755, one base duplicated (T; older notation c.755-90dupT).
Molecular consequence: intron variant.
Genome position (GRCh38, 1-based): chr5:179,832,942, T duplicated. VCF-style (leftmost placement, unchanged base first): chr5-179832941-G-GT. GRCh37 (hg19) VCF-style: chr5-179259941-G-GT.
Other names: c.503-90dup (NM_001142298.2, NM_001142299.2).
Identifiers: ClinVar variation 1166422 (VCV001166422.10), dbSNP rs145727617, ClinGen allele CA133108953.